The following is an entry in ClinVar:

NM_000784.4(CYP27A1):c.440_446+2del

Gene: CYP27A1 (cytochrome P450 family 27 subfamily A member 1; plus strand). Cytogenetic location: 2q35.
Variant type: Deletion.
Coding change: c.440_446+2del on transcript NM_000784.4 (MANE Select); coding-DNA position 440 through the canonical splice donor site of the intron after coding-DNA position 446, 9 bases deleted (TCACCACGT; older notation c.440_446+2delTCACCACGT).
Molecular consequence: splice donor variant.
Genome position (GRCh38, 1-based): chr2:218,809,761-218,809,769, TCACCACGT deleted; deleting any 9 consecutive bases within chr2:218,809,758-218,809,769 gives the same sequence; the c. name uses the placement nearest the transcript's 3' end. VCF-style (leftmost placement, unchanged base first): chr2-218809757-CCGTTCACCA-C. GRCh37 (hg19) VCF-style: chr2-219674480-CCGTTCACCA-C.
Identifiers: ClinVar variation 1466553 (VCV001466553.6), dbSNP rs2105978950, ClinGen allele CA2573135315.

ClinVar aggregate classification (germline): Likely pathogenic (1 of 4 stars; one submission).

Conditions:
Cholestanol storage disease (CTX). Also called: Cerebrotendinous Xanthomatosis; CEREBRAL CHOLESTERINOSIS; CTX: Cerebrotendinous xanthomatosis. Identifiers: Orphanet 909, MedGen C0238052, MONDO:0008948, OMIM 213700.

Submission:

Labcorp Genetics (formerly Invitae), Labcorp
Classification: Likely pathogenic for Cholestanol storage disease. Last evaluated: 2022-03-03. Review status: criteria provided, single submitter. Criteria: Invitae Variant Classification Sherloc (09022015). Collection method: clinical testing. Allele origin: germline.
Comment: In summary, the currently available evidence indicates that the variant is pathogenic, but additional data are needed to prove that conclusively. Therefore, this variant has been classified as Likely Pathogenic. Algorithms developed to predict the effect of sequence changes on RNA splicing suggest that this variant may disrupt the consensus splice site. This variant has not been reported in the literature in individuals affected with CYP27A1-related conditions. This variant is not present in population databases (gnomAD no frequency). This variant results in the deletion of part of exon 2 (c.440_446+2del) of the CYP27A1 gene. It is expected to disrupt RNA splicing. Variants that disrupt the donor or acceptor splice site typically lead to a loss of protein function (PMID: 16199547), and loss-of-function variants in CYP27A1 are known to be pathogenic (PMID: 9392430, 10775536, 26937392).

Literature cited by the submitters: PubMed 16199547; PubMed 9392430; PubMed 10775536; PubMed 26937392.